The following is an entry in ClinVar:

NM_000334.4(SCN4A):c.4605G>A (p.Ser1535=)

Genes: GH-LCR (growth hormone locus control region; plus strand), SCN4A (sodium voltage-gated channel alpha subunit 4; minus strand). Cytogenetic location: 17q23.3.
Variant type: single nucleotide variant.
Coding change: c.4605G>A on transcript NM_000334.4 (MANE Select); coding-DNA position 4605, G replaced by A.
Protein change: p.Ser1535=; no amino-acid change (serine 1535 retained).
Molecular consequence: synonymous variant.
Genome position (GRCh38, 1-based): chr17:63,941,677, C>T on the plus strand (G>A on the coding strand, the complement: SCN4A is on the minus strand). VCF-style: chr17-63941677-C-T. GRCh37 (hg19) VCF-style: chr17-62019037-C-T.
Identifiers: ClinVar variation 510269 (VCV000510269.9), dbSNP rs182438287, ClinGen allele CA8708935.

ClinVar aggregate classification (germline): Likely benign. Review status: criteria provided, multiple submitters, no conflicts (2 of 4 stars). 2 submissions from 2 submitters: Likely benign (2). Last evaluated 2025-09-26.

Conditions:
Hyperkalemic periodic paralysis. Also called: Familial hyperkalemic periodic paralysis; Gamstorp disease. Identifiers: Orphanet 682, MedGen C0238357, MONDO:0008224, OMIM 170500, HP:0007215.

Allele frequency attached by ClinVar (database versions not stated): TOPMed 0.00002.
gnomAD v4.1: 39 of 1,613,950 alleles (0.0024%); highest among the groups gnomAD compares: African/African-American, 0.016%; no homozygotes.

Submissions (2):

Labcorp Genetics (formerly Invitae), Labcorp
Classification: Likely benign for Hyperkalemic periodic paralysis. Last evaluated: 2025-09-26. Review status: criteria provided, single submitter. Criteria: Invitae Variant Classification Sherloc (09022015). Collection method: clinical testing. Allele origin: germline.

GeneDx
Classification: Likely benign. Last evaluated: 2017-06-16. Review status: criteria provided, single submitter. Criteria: GeneDx Variant Classification (06012015). Collection method: clinical testing. Allele origin: germline. Affected: yes.
Comment: This variant is considered likely benign or benign based on one or more of the following criteria: it is a conservative change, it occurs at a poorly conserved position in the protein, it is predicted to be benign by multiple in silico algorithms, and/or has population frequency not consistent with disease.